The following is an entry in ClinVar:

ClinVar aggregate classification (germline): Likely pathogenic (1 of 4 stars; one submission).

Conditions:
Hepatic veno-occlusive disease-immunodeficiency syndrome. Also called: Hepatic Veno-Occlusive Disease with Immunodeficiency. Identifiers: Orphanet 79124, MedGen C1856128, MONDO:0009338, OMIM 235550. Disease mechanism: loss of function.

Submission:

Women's Health and Genetics/Laboratory Corporation of America, LabCorp
Classification: Likely pathogenic for Hepatic veno-occlusive disease-immunodeficiency syndrome. Last evaluated: 2022-05-16. Review status: criteria provided, single submitter. Criteria: LabCorp Variant Classification Summary - May 2015. Collection method: clinical testing. Allele origin: germline.
Comment: Variant summary: The variant identified by MLPA or other technology involves the deletion of exon 14 in the SP110 gene. A presumed nomenclature of c.(1447+1_1448-1)_(1590+1_1591-1)del has been designated for the purposes of this classification. Although exact breakpoints of this deletion are not known, it is expected to result in a frameshift in the SP110 gene, a known mechanism of disease. The variant was absent in 21694 control chromosomes (gnomAD, Structural Variants dataset). To our knowledge, no occurrence of c.(1447+1_1448-1)_(1590+1_1591-1)del in individuals affected with Hepatic Venoocclusive Disease With Immunodeficiency and no experimental evidence demonstrating its impact on protein function have been reported. One ClinVar submitter has assessed the variant since 2014: the variant was classified as pathogenic. Based on the evidence outlined above, the variant was classified as likely pathogenic.

NC_000002.11:g.(231037676_231042253)_(231042397_231042872)del

Gene: SP110 (SP110 nuclear body protein; minus strand). Cytogenetic location: 2q37.1.
Variant type: Deletion.
Identifiers: ClinVar variation 1696250 (VCV001696250.1).